The following is an entry in ClinVar:

NM_032578.4(MYPN):c.1381G>A (p.Ala461Thr)

Gene: MYPN (myopalladin; plus strand). Cytogenetic location: 10q21.3.
Variant type: single nucleotide variant.
Coding change: c.1381G>A on transcript NM_032578.4 (MANE Select); coding-DNA position 1381, G replaced by A.
Protein change: p.Ala461Thr; replaces alanine 461 with threonine.
Molecular consequence: missense variant. On other transcripts: non-coding transcript variant (2).
Genome position (GRCh38, 1-based): chr10:68,158,549, G>A. VCF-style: chr10-68158549-G-A. GRCh37 (hg19) VCF-style: chr10-69918306-G-A.
Other names: c.1381G>A, p.Ala461Thr (NM_001256267.2); c.499G>A, p.Ala167Thr (NM_001256268.2); short protein forms A167T, A461T.
Identifiers: ClinVar variation 1962335 (VCV001962335.3), dbSNP rs2042920301, ClinGen allele CA376834573.

ClinVar aggregate classification (germline): Uncertain significance (1 of 4 stars; one submission).

Conditions:
Dilated cardiomyopathy 1KK (CMD1KK). Identifiers: Orphanet 154, Orphanet 75249, MedGen C3714995, MONDO:0014100, OMIM 615248.

Submission:

Labcorp Genetics (formerly Invitae), Labcorp
Classification: Uncertain significance for Dilated cardiomyopathy 1KK. Last evaluated: 2022-02-03. Review status: criteria provided, single submitter. Criteria: Invitae Variant Classification Sherloc (09022015). Collection method: clinical testing. Allele origin: germline.
Comment: Algorithms developed to predict the effect of missense changes on protein structure and function are either unavailable or do not agree on the potential impact of this missense change (SIFT: "Tolerated"; PolyPhen-2: "Possibly Damaging"; Align-GVGD: "Class C0"). In summary, the available evidence is currently insufficient to determine the role of this variant in disease. Therefore, it has been classified as a Variant of Uncertain Significance. This variant has not been reported in the literature in individuals affected with MYPN-related conditions. This variant is not present in population databases (gnomAD no frequency). This sequence change replaces alanine, which is neutral and non-polar, with threonine, which is neutral and polar, at codon 461 of the MYPN protein (p.Ala461Thr).